The following is an entry in ClinVar:

ClinVar aggregate classification (germline): Uncertain significance (1 of 4 stars; one submission).

Conditions:
Cardiovascular phenotype. Identifiers: MedGen CN230736.

gnomAD v4.1: 32 of 1,606,708 alleles (0.002%); highest among the groups gnomAD compares: Non-Finnish European, 0.0026%; no homozygotes.

Submission:

Ambry Genetics
Classification: Uncertain significance for Cardiovascular phenotype. Last evaluated: 2025-04-16. Review status: criteria provided, single submitter. Criteria: Ambry Variant Classification Scheme 2023. Collection method: clinical testing. Allele origin: germline.
Comment: The p.G532R variant (also known as c.1594G>C), located in coding exon 11 of the LMF1 gene, results from a G to C substitution at nucleotide position 1594. The glycine at codon 532 is replaced by arginine, an amino acid with dissimilar properties. This variant has been reported in a hyperlipidemia cohort and a hypertriglyceridemia cohort (Gill PK et al. J Clin Lipidol, 2021 Nov;15:79-87; Deshotels MR et al. Arterioscler Thromb Vasc Biol, 2022 Dec;42:1461-1467). This amino acid position is well conserved in available vertebrate species. In addition, the in silico prediction for this alteration is inconclusive. Based on the available evidence, the clinical significance of this variant remains unclear.

Literature cited by the submitters: PubMed 33303402; PubMed 36325899.

NM_022773.4(LMF1):c.1594G>C (p.Gly532Arg)

Gene: LMF1 (lipase maturation factor 1; minus strand). Cytogenetic location: 16p13.3.
Variant type: single nucleotide variant.
Coding change: c.1594G>C on transcript NM_022773.4 (MANE Select); coding-DNA position 1594, G replaced by C.
Protein change: p.Gly532Arg; replaces glycine 532 with arginine.
Molecular consequence: missense variant. On other transcripts: non-coding transcript variant (1).
Genome position (GRCh38, 1-based): chr16:854,642, C>G on the plus strand (G>C on the coding strand, the complement: LMF1 is on the minus strand). VCF-style: chr16-854642-C-G. GRCh37 (hg19) VCF-style: chr16-904642-C-G.
Other names: c.943G>C, p.Gly315Arg (NM_001352017.2, NM_001352021.2); c.1195G>C, p.Gly399Arg (NM_001352018.2); c.1267G>C, p.Gly423Arg (NM_001352019.2); c.1514G>C, p.Gly505Ala (NM_001352020.1); short protein forms G423R, G532R, G399R, G505A, G315R.
Identifiers: ClinVar variation 4047693 (VCV004047693.1).